The following is an entry in ClinVar:

NM_000286.3(PEX12):c.641A>G (p.Lys214Arg)

Gene: PEX12 (peroxisomal biogenesis factor 12; minus strand). Cytogenetic location: 17q12.
Variant type: single nucleotide variant.
Coding change: c.641A>G on transcript NM_000286.3 (MANE Select); coding-DNA position 641, A replaced by G.
Protein change: p.Lys214Arg; replaces lysine 214 with arginine.
Molecular consequence: missense variant.
Genome position (GRCh38, 1-based): chr17:35,577,077, T>C on the plus strand (A>G on the coding strand, the complement: PEX12 is on the minus strand). VCF-style: chr17-35577077-T-C. GRCh37 (hg19) VCF-style: chr17-33904096-T-C.
Other names: short protein forms K214R.
Identifiers: ClinVar variation 2012995 (VCV002012995.4), dbSNP rs2072789442, ClinGen allele CA399137705.

ClinVar aggregate classification (germline): Uncertain significance (1 of 4 stars; one submission).

Conditions:
Peroxisome biogenesis disorder 3A (Zellweger). Also called: PEROXISOMAL BIOGENESIS DISORDER 3A (ZELLWEGER); Peroxisome biogenesis disorder 3A. Identifiers: Orphanet 912, MedGen C3553929, MONDO:0013927, OMIM 614859.

Submission:

Labcorp Genetics (formerly Invitae), Labcorp
Classification: Uncertain significance for Peroxisome biogenesis disorder 3A (Zellweger). Last evaluated: 2022-07-01. Review status: criteria provided, single submitter. Criteria: Invitae Variant Classification Sherloc (09022015). Collection method: clinical testing. Allele origin: germline.
Comment: In summary, the available evidence is currently insufficient to determine the role of this variant in disease. Therefore, it has been classified as a Variant of Uncertain Significance. Algorithms developed to predict the effect of missense changes on protein structure and function output the following: SIFT: "Tolerated"; PolyPhen-2: "Benign"; Align-GVGD: "Class C0". The arginine amino acid residue is found in multiple mammalian species, which suggests that this missense change does not adversely affect protein function. This variant has not been reported in the literature in individuals affected with PEX12-related conditions. This variant is not present in population databases (gnomAD no frequency). This sequence change replaces lysine, which is basic and polar, with arginine, which is basic and polar, at codon 214 of the PEX12 protein (p.Lys214Arg).